The following is an entry in ClinVar:

ClinVar aggregate classification (germline): Uncertain significance (1 of 4 stars; one submission).

Conditions:
Developmental and epileptic encephalopathy, 31A. Also called: Developmental and epileptic encephalopathy, 31; Epileptic encephalopathy, early infantile, 31. Identifiers: Orphanet 2382, MedGen C4225357, MONDO:0014598, OMIM 616346.

Allele frequency attached by ClinVar (database versions not stated): gnomAD exomes below 0.00001.
gnomAD v4.1: 1 of 1,458,932 alleles (0.000069%); highest among the groups gnomAD compares: Admixed American, 0.0025%; no homozygotes.

Submission:

Labcorp Genetics (formerly Invitae), Labcorp
Classification: Uncertain significance for Developmental and epileptic encephalopathy, 31A. Last evaluated: 2022-02-21. Review status: criteria provided, single submitter. Criteria: Invitae Variant Classification Sherloc (09022015). Collection method: clinical testing. Allele origin: germline.
Comment: This sequence change replaces threonine, which is neutral and polar, with lysine, which is basic and polar, at codon 776 of the DNM1 protein (p.Thr776Lys). The frequency data for this variant in the population databases is considered unreliable, as metrics indicate poor data quality at this position in the gnomAD database. In summary, the available evidence is currently insufficient to determine the role of this variant in disease. Therefore, it has been classified as a Variant of Uncertain Significance. Advanced modeling of protein sequence and biophysical properties (such as structural, functional, and spatial information, amino acid conservation, physicochemical variation, residue mobility, and thermodynamic stability) performed at Invitae indicates that this missense variant is not expected to disrupt DNM1 protein function. ClinVar contains an entry for this variant (Variation ID: 1047717). This variant has not been reported in the literature in individuals affected with DNM1-related conditions.

NM_004408.4(DNM1):c.2327C>A (p.Thr776Lys)

Genes: DNM1 (dynamin 1; plus strand), LOC130002698 (ATAC-STARR-seq lymphoblastoid silent region 20332; plus strand). Cytogenetic location: 9q34.11.
Variant type: single nucleotide variant.
Coding change: c.2327C>A on transcript NM_004408.4 (MANE Select); coding-DNA position 2327, C replaced by A.
Protein change: p.Thr776Lys; replaces threonine 776 with lysine.
Molecular consequence: missense variant.
Genome position (GRCh38, 1-based): chr9:128,250,733, C>A. VCF-style: chr9-128250733-C-A. GRCh37 (hg19) VCF-style: chr9-131013012-C-A.
Other names: c.2327C>A, p.Thr776Lys (NM_001005336.3, NM_001288737.2, NM_001288738.2 and 2 more transcripts); short protein forms T776K.
Identifiers: ClinVar variation 1047717 (VCV001047717.9), dbSNP rs1490577876, ClinGen allele CA375001425.